The following is an entry in ClinVar:

ClinVar aggregate classification (germline): Likely benign. Review status: criteria provided, multiple submitters, no conflicts (2 of 4 stars). 2 submissions from 2 submitters: Likely benign (2). Last evaluated 2024-01-16.

Conditions:
Congenital hyperammonemia, type I. Also called: Carbamoyl-phosphate synthase I deficiency; CPS I DEFICIENCY; Carbamoyl phosphate synthetase 1 deficiency; Hyperammonemia due to carbamoyl phosphate synthetase 1 deficiency; CPS 1 deficiency; Carbamyl phosphate synthetase (CPS) deficiency. Identifiers: Orphanet 147, MedGen C4082171, MONDO:0009376, OMIM 237300.

Submissions (2):

Labcorp Genetics (formerly Invitae), Labcorp
Classification: Likely benign for Congenital hyperammonemia, type I. Last evaluated: 2024-01-16. Review status: criteria provided, single submitter. Criteria: Invitae Variant Classification Sherloc (09022015). Collection method: clinical testing. Allele origin: germline.

GeneDx
Classification: Likely benign. Last evaluated: 2017-05-23. Review status: criteria provided, single submitter. Criteria: GeneDx Variant Classification (06012015). Collection method: clinical testing. Allele origin: germline. Affected: yes.
Comment: This variant is considered likely benign or benign based on one or more of the following criteria: it is a conservative change, it occurs at a poorly conserved position in the protein, it is predicted to be benign by multiple in silico algorithms, and/or has population frequency not consistent with disease.

NM_001875.5(CPS1):c.1263+8TG[4]

Gene: CPS1 (carbamoyl-phosphate synthase 1; plus strand). Cytogenetic location: 2q34.
Variant type: Microsatellite.
Coding change: c.1263+8TG[4] on transcript NM_001875.5 (MANE Select); four copies in a row of the 2-base unit TG starting at c.1263+8; the reference has two copies in a row; two copies, 4 bases duplicated.
Molecular consequence: intron variant.
Genome position (GRCh38, 1-based): chr2:210,594,614-210,594,617, TGTG duplicated. VCF-style (leftmost placement, unchanged base first): chr2-210594613-A-ATGTG. GRCh37 (hg19) VCF-style: chr2-211459337-A-ATGTG.
Other names: c.1263+8TG[4] (NM_001369257.1, NM_001122633.3); c.1296+8TG[4] (NM_001369256.1).
Identifiers: ClinVar variation 509443 (VCV000509443.4), dbSNP rs1553511697, ClinGen allele CA658796152.